The following is an entry in ClinVar:

NM_001127222.2(CACNA1A):c.6848G>A (p.Arg2283His)

Gene: CACNA1A (calcium voltage-gated channel subunit alpha1 A; minus strand). Cytogenetic location: 19p13.13.
Variant type: single nucleotide variant.
Coding change: c.6848G>A on transcript NM_001127222.2 (MANE Select); coding-DNA position 6848, G replaced by A.
Protein change: p.Arg2283His; replaces arginine 2283 with histidine.
Molecular consequence: missense variant. On other transcripts: 3 prime UTR variant (3).
Genome position (GRCh38, 1-based): chr19:13,207,986, C>T on the plus strand (G>A on the coding strand, the complement: CACNA1A is on the minus strand). VCF-style: chr19-13207986-C-T. GRCh37 (hg19) VCF-style: chr19-13318800-C-T.
Other names: c.*60G>A (NM_000068.4, NM_001127221.2, NM_001174080.2); c.6866G>A, p.Arg2289His (NM_023035.3); short protein forms R2283H, R2289H.
Identifiers: ClinVar variation 2663361 (VCV002663361.2), dbSNP rs1376146668, ClinGen allele CA404328970.
Genomic context (GRCh38, chr19:13,207,986, plus strand): 5'-ATCACAGGGGAATAGGACACGTGTGGCCGGGGGGTGGAGGGGGTCTGGGGGAGCTGGCGG[C>T]GGCCCCGCCGCGGAGTGCTGGTACCAGATGTTGAGGGGGCTGGGCTTCCACTTACGGAAC-3'
Protein context (NP_001120694.1, residues 2273-2293): TSGTSTPRRG[Arg2283His]RQLPQTPSTP

ClinVar aggregate classification (germline): Uncertain significance (1 of 4 stars; one submission).

Allele frequency attached by ClinVar (database versions not stated): gnomAD 0.00001; TOPMed below 0.00001.

Submission:

GeneDx
Classification: Uncertain significance. Last evaluated: 2024-03-15. Review status: criteria provided, single submitter. Criteria: GeneDx Variant Classification Process June 2021. Collection method: clinical testing. Allele origin: germline.
Comment: Variant in the deep 3' untranslated region of the primary transcript; Not observed at significant frequency in large population cohorts (gnomAD); Has not been previously published as pathogenic or benign to our knowledge